The following is an entry in ClinVar:

ClinVar aggregate classification (germline): Likely benign. Review status: criteria provided, multiple submitters, no conflicts (2 of 4 stars). 3 submissions from 3 submitters: Likely benign (3). Last evaluated 2026-07-01.

Allele frequency attached by ClinVar (database versions not stated): 1000 Genomes Project 0.00080; 1000 Genomes Project 30x 0.00094; ExAC 0.00116; gnomAD exomes 0.00131 and 0.00197; gnomAD 0.00163 and 0.00167; TOPMed 0.00189; ESP Exome Variant Server 0.00208.

Submissions (3):

CeGaT Center for Human Genetics Tuebingen
Classification: Likely benign. Last evaluated: 2026-07-01. Review status: criteria provided, single submitter. Criteria: CeGaT Center For Human Genetics Tuebingen Variant Classification Criteria Version 2. Collection method: clinical testing. Allele origin: germline. Affected: yes. Observed: 3 variant alleles.
Comment: IARS1: BP4

Labcorp Genetics (formerly Invitae), Labcorp
Classification: Likely benign. Last evaluated: 2025-10-13. Review status: criteria provided, single submitter. Criteria: Invitae Variant Classification Sherloc (09022015). Collection method: clinical testing. Allele origin: germline.

Ambry Genetics
Classification: Likely benign. Last evaluated: 2023-11-21. Review status: criteria provided, single submitter. Criteria: Ambry Variant Classification Scheme 2023. Collection method: clinical testing. Allele origin: germline.

NM_002161.6(IARS1):c.904A>T (p.Asn302Tyr)

Gene: IARS1 (isoleucyl-tRNA synthetase 1; minus strand). Cytogenetic location: 9q22.31.
Variant type: single nucleotide variant.
Coding change: c.904A>T on transcript NM_002161.6 (MANE Select); coding-DNA position 904, A replaced by T.
Protein change: p.Asn302Tyr; replaces asparagine 302 with tyrosine.
Molecular consequence: missense variant. On other transcripts: non-coding transcript variant (1).
Genome position (GRCh38, 1-based): chr9:92,274,512, T>A on the plus strand (A>T on the coding strand, the complement: IARS1 is on the minus strand). VCF-style: chr9-92274512-T-A. GRCh37 (hg19) VCF-style: chr9-95036794-T-A.
Other names: c.904A>T (NM_013417.2); c.904A>T, p.Asn302Tyr (NM_001374299.1, NM_001374300.1, NM_001374301.1 and 1 more transcripts); short protein forms N302Y.
Identifiers: ClinVar variation 713976 (VCV000713976.33), dbSNP rs140666586, ClinGen allele CA5122800.